The following is an entry in ClinVar:

ClinVar aggregate classification (germline): Uncertain significance (1 of 4 stars; one submission).

Conditions:
PLXNA3-related disorder. Also called: PLXNA3-related condition.

gnomAD v4.1: 5 of 1,181,355 alleles (0.00042%); highest among the groups gnomAD compares: Admixed American, 0.0023%; no homozygotes.

Submission:

PreventionGenetics, part of Exact Sciences
Classification: Uncertain significance for PLXNA3-related condition. Last evaluated: 2025-11-03. Review status: criteria provided, single submitter. Criteria: ACMG Guidelines, 2015. Collection method: clinical testing. Allele origin: germline.
Comment: The PLXNA3 c.3944C>T variant is predicted to result in the amino acid substitution p.Pro1315Leu. This variant in the hemizygous condition has been reported in an individual with disorder of sex development, who also carried a variant in LHX4 (Table S1, Zidoune et al. 2022. PubMed ID: 36110220). This variant is reported in 0.0078% of alleles in individuals of African descent in gnomAD. At this time, the clinical significance of this variant is uncertain due to the absence of conclusive functional and genetic evidence.

NM_017514.5(PLXNA3):c.3944C>T (p.Pro1315Leu)

Gene: PLXNA3 (plexin A3; plus strand). Cytogenetic location: Xq28.
Variant type: single nucleotide variant.
Coding change: c.3944C>T on transcript NM_017514.5 (MANE Select); coding-DNA position 3944, C replaced by T.
Protein change: p.Pro1315Leu; replaces proline 1315 with leucine.
Molecular consequence: missense variant.
Genome position (GRCh38, 1-based): chrX:154,468,205, C>T. VCF-style: chrX-154468205-C-T. GRCh37 (hg19) VCF-style: chrX-153696548-C-T.
Other names: short protein forms P1315L.
Identifiers: ClinVar variation 4985348 (VCV004985348.1).